The following is an entry in ClinVar:

NM_015909.4(NBAS):c.6804C>G (p.His2268Gln)

Gene: NBAS (NBAS subunit of NRZ tethering complex; minus strand). Cytogenetic location: 2p24.3.
Variant type: single nucleotide variant.
Coding change: c.6804C>G on transcript NM_015909.4 (MANE Select); coding-DNA position 6804, C replaced by G.
Protein change: p.His2268Gln; replaces histidine 2268 with glutamine.
Molecular consequence: missense variant. On other transcripts: non-coding transcript variant (1).
Genome position (GRCh38, 1-based): chr2:15,179,024, G>C on the plus strand (C>G on the coding strand, the complement: NBAS is on the minus strand). VCF-style: chr2-15179024-G-C. GRCh37 (hg19) VCF-style: chr2-15319148-G-C.
Other names: short protein forms H2268Q.
Identifiers: ClinVar variation 1508557 (VCV001508557.8), dbSNP rs778623720, ClinGen allele CA345915403.

ClinVar aggregate classification (germline): Uncertain significance (1 of 4 stars; one submission).

Submission:

Labcorp Genetics (formerly Invitae), Labcorp
Classification: Uncertain significance. Last evaluated: 2024-02-17. Review status: criteria provided, single submitter. Criteria: Invitae Variant Classification Sherloc (09022015). Collection method: clinical testing. Allele origin: germline.
Comment: This sequence change replaces histidine, which is basic and polar, with glutamine, which is neutral and polar, at codon 2268 of the NBAS protein (p.His2268Gln). This variant is not present in population databases (gnomAD no frequency). This variant has not been reported in the literature in individuals affected with NBAS-related conditions. ClinVar contains an entry for this variant (Variation ID: 1508557). Advanced modeling of protein sequence and biophysical properties (such as structural, functional, and spatial information, amino acid conservation, physicochemical variation, residue mobility, and thermodynamic stability) performed at Invitae indicates that this missense variant is not expected to disrupt NBAS protein function with a negative predictive value of 95%. In summary, the available evidence is currently insufficient to determine the role of this variant in disease. Therefore, it has been classified as a Variant of Uncertain Significance.